The following is an entry in ClinVar:

ClinVar aggregate classification (germline): Uncertain significance (1 of 4 stars; one submission).

Conditions:
TMEM67-related disorder. Also called: TMEM67-related condition; TMEM67-related disorders. Identifiers: MedGen CN239423.

gnomAD v4.1: 1 of 1,614,184 alleles (0.000062%); no homozygotes.

Submission:

PreventionGenetics, part of Exact Sciences
Classification: Uncertain significance for TMEM67-related condition. Last evaluated: 2025-11-12. Review status: criteria provided, single submitter. Criteria: ACMG Guidelines, 2015. Collection method: clinical testing. Allele origin: germline.
Comment: The TMEM67 c.108C>T variant is not predicted to result in an amino acid change (p.=). This variant is predicted to impact splicing based on splicing prediction programs (SpliceAI, Jaganathan K, et al. 2019. PubMed ID: 30661751). However, the use of computer prediction programs is not equivalent to functional evidence. To our knowledge, this variant has not been reported in the literature or in a large population database (gnomAD), indicating this variant is rare. At this time, the clinical significance of this variant is uncertain due to the absence of conclusive functional and genetic evidence.

NM_153704.6(TMEM67):c.108C>T (p.Ala36=)

Gene: TMEM67 (transmembrane protein 67; plus strand). Cytogenetic location: 8q22.1.
Variant type: single nucleotide variant.
Coding change: c.108C>T on transcript NM_153704.6 (MANE Select); coding-DNA position 108, C replaced by T.
Protein change: p.Ala36=; no amino-acid change (alanine 36 retained).
Molecular consequence: synonymous variant. On other transcripts: 5 prime UTR variant (1), non-coding transcript variant (1).
Genome position (GRCh38, 1-based): chr8:93,755,022, C>T. VCF-style: chr8-93755022-C-T. GRCh37 (hg19) VCF-style: chr8-94767250-C-T.
Other names: c.-177C>T (NM_001142301.1).
Identifiers: ClinVar variation 4987994 (VCV004987994.1).
Genomic context (GRCh38, chr8:93,755,022, plus strand): 5'-CTTATCCGCCCGGGCCGTGACCGCGTTCCTTCTGTTGTTCCTCCCTCGCTTCTTACAGGC[C>T]CAGACCTTCTCTTTCCCTTTCCAGCAGCCGGAGAAGTGCGACAACAACCAGTACTTTGAT-3'
Protein context (NP_714915.3, residues 26-46): LLLFLPRFLQ[Ala36=]QTFSFPFQQP